The following is an entry in ClinVar:

NM_007194.4(CHEK2):c.1238T>G (p.Leu413Ter)

Gene: CHEK2 (checkpoint kinase 2; minus strand). Cytogenetic location: 22q12.1.
Variant type: single nucleotide variant.
Coding change: c.1238T>G on transcript NM_007194.4 (MANE Select); coding-DNA position 1238, T replaced by G.
Protein change: p.Leu413Ter; replaces leucine 413 with a stop codon.
Molecular consequence: nonsense.
Genome position (GRCh38, 1-based): chr22:28,695,731, A>C on the plus strand (T>G on the coding strand, the complement: CHEK2 is on the minus strand). VCF-style: chr22-28695731-A-C. GRCh37 (hg19) VCF-style: chr22-29091719-A-C.
Other names: c.1367T>G, p.Leu456Ter (NM_001005735.3); c.575T>G, p.Leu192Ter (NM_001257387.3); c.1037T>G, p.Leu346Ter (NM_001349956.3); c.1151T>G, p.Leu384Ter (NM_145862.3); short protein forms L413*, L192*, L346*, L384*, L456*.
Identifiers: ClinVar variation 481071 (VCV000481071.20), dbSNP rs1248967885, ClinGen allele CA411096601.

ClinVar aggregate classification (germline): Pathogenic/Likely pathogenic. Review status: criteria provided, multiple submitters, no conflicts (2 of 4 stars). 6 submissions from 6 submitters: Pathogenic (5); Likely pathogenic (1). Last evaluated 2026-06-16.

Conditions:
Hereditary breast ovarian cancer syndrome. Also called: Hereditary breast and/or ovarian cancer syndrome; BRCA1- and BRCA2-Associated Hereditary Breast and Ovarian Cancer; Hereditary breast and ovarian cancer syndrome; Breast and ovarian cancer; Hereditary breast and ovarian cancer; Hereditary breast and ovarian cancer syndrome (HBOC). Identifiers: Orphanet 145, MedGen C0677776, MeSH D061325, MONDO:0003582. Disease mechanism: loss of function.
Familial cancer of breast. Also called: hereditary breast carcinoma; Hereditary breast cancer; BREAST CANCER, FAMILIAL. Identifiers: Orphanet 227535, MedGen C0346153, MONDO:0016419, OMIM 114480. Disease mechanism: loss of function.
Hereditary cancer-predisposing syndrome. Also called: Neoplastic Syndromes, Hereditary; Hereditary neoplastic syndrome; Hereditary Cancer Syndrome; Tumor predisposition. Identifiers: Orphanet 140162, MedGen C0027672, MeSH D009386, MONDO:0015356.

Submissions (6):

Ambry Genetics
Classification: Pathogenic for Hereditary cancer-predisposing syndrome. Last evaluated: 2026-06-16. Review status: criteria provided, single submitter. Criteria: Ambry Variant Classification Scheme 2023. Collection method: clinical testing. Allele origin: germline.
Comment: The p.L413* pathogenic mutation (also known as c.1238T>G), located in coding exon 10 of the CHEK2 gene, results from a T to G substitution at nucleotide position 1238. This changes the amino acid from a leucine to a stop codon within coding exon 10. Although this exact mutation has not been reported in the literature, another alteration resulting in the same termination codon (c.1238T>A) has been reported in 4/7051 female cases of breast cancer and not in 11241 matched controls in a Japanese cohort (Momozawa Y et al. Nat Commun, 2018 10;9:4083). In addition to the clinical data presented in the literature, this alteration is expected to result in loss of function by premature protein truncation or nonsense-mediated mRNA decay. As such, this alteration is interpreted as a disease-causing mutation.

Labcorp Genetics (formerly Invitae), Labcorp
Classification: Pathogenic for Familial cancer of breast. Last evaluated: 2025-05-13. Review status: criteria provided, single submitter. Criteria: Invitae Variant Classification Sherloc (09022015). Collection method: clinical testing. Allele origin: germline.
Comment: This sequence change creates a premature translational stop signal (p.Leu413*) in the CHEK2 gene. It is expected to result in an absent or disrupted protein product. Loss-of-function variants in CHEK2 are known to be pathogenic (PMID: 21876083, 24713400). This variant is not present in population databases (gnomAD no frequency). This premature translational stop signal has been observed in individual(s) with breast cancer (PMID: 30287823). ClinVar contains an entry for this variant (Variation ID: 481071). For these reasons, this variant has been classified as Pathogenic.

German Consortium for Hereditary Breast and Ovarian Cancer, University Hospital Cologne
Classification: Pathogenic for Hereditary breast ovarian cancer syndrome. Last evaluated: 2024-08-13. Review status: criteria provided, single submitter. Criteria: ACMG Guidelines, 2015. Collection method: curation. Allele origin: germline.
Comment: According to the ACMG SVI adaptation criteria we chose these criteria: PVS1 (very strong pathogenic): Truncating prior to c.1493; NMD expected, PM2 (supporting pathogenic): not in gnomAD V2, PM5 (supporting pathogenic): Truncating prior to c.1493; NMD expected

Myriad Genetics, Inc.
Classification: Pathogenic for Familial cancer of breast. Last evaluated: 2023-06-28. Review status: criteria provided, single submitter. Criteria: Myriad Autosomal Dominant, Autosomal Recessive and X-Linked Classification Criteria (2023). Collection method: clinical testing. Allele origin: unknown.
Comment: This variant is considered pathogenic. This variant creates a termination codon and is predicted to result in premature protein truncation.

Genetics and Molecular Pathology, SA Pathology
Classification: Likely pathogenic for Familial cancer of breast. Last evaluated: 2021-03-19. Review status: criteria provided, single submitter. Criteria: ACMG Guidelines, 2015. Collection method: clinical testing. Allele origin: germline. Affected: yes.

GeneDx
Classification: Pathogenic. Last evaluated: 2018-03-07. Review status: criteria provided, single submitter. Criteria: GeneDx Variant Classification (06012015). Collection method: clinical testing. Allele origin: germline. Affected: yes.
Comment: This variant is denoted CHEK2 c.1238T>G at the cDNA level and p.Leu413Ter (L413X) at the protein level. The substitution creates a nonsense variant, which changes a Leucine to a premature stop codon (TTA>TGA), and is predicted to cause loss of normal protein function through either protein truncation or nonsense-mediated mRNA decay. Although this variant has not, to our knowledge, been reported in the literature, it is considered pathogenic.

Literature cited by the submitters: PubMed 30287823 (cited by Ambry Genetics and Labcorp Genetics (formerly Invitae), Labcorp); PubMed 21876083 (cited by Labcorp Genetics (formerly Invitae), Labcorp); PubMed 24713400 (cited by Labcorp Genetics (formerly Invitae), Labcorp).